The following is an entry in ClinVar:

NM_000611.6(CD59):c.2T>C (p.Met1Thr)

Gene: CD59 (CD59 molecule (CD59 blood group); minus strand). Cytogenetic location: 11p13.
Variant type: single nucleotide variant.
Coding change: c.2T>C on transcript NM_000611.6 (MANE Select); coding-DNA position 2, T replaced by C.
Protein change: p.Met1Thr; changes the start codon (methionine 1).
Molecular consequence: missense variant, initiator codon variant.
Genome position (GRCh38, 1-based): chr11:33,722,444, A>G on the plus strand (T>C on the coding strand, the complement: CD59 is on the minus strand). VCF-style: chr11-33722444-A-G. GRCh37 (hg19) VCF-style: chr11-33743990-A-G.
Other names: c.2T>C, p.Met1Thr (NM_001127223.1, NM_001127225.2, NM_001127226.2 and 4 more transcripts); short protein forms M1T.
Identifiers: ClinVar variation 3599568 (VCV003599568.11).

ClinVar aggregate classification (germline): Likely pathogenic. Review status: criteria provided, multiple submitters, no conflicts (2 of 4 stars). 2 submissions from 2 submitters: Likely pathogenic (2). Last evaluated 2025-05-01.

Conditions:
Primary CD59 deficiency. Also called: CD59-mediated hemolytic anemia with or without immune-mediated polyneuropathy; HEMOLYTIC ANEMIA, CD59-MEDIATED. Identifiers: Orphanet 169464, MedGen C2676767, MONDO:0012858, OMIM 612300.

Submissions (2):

CeGaT Center for Human Genetics Tuebingen
Classification: Likely pathogenic. Last evaluated: 2025-05-01. Review status: criteria provided, single submitter. Criteria: CeGaT Center For Human Genetics Tuebingen Variant Classification Criteria Version 2. Collection method: clinical testing. Allele origin: germline. Affected: yes. Observed: 1 variant allele.
Comment: CD59: PM2, PVS1:Moderate, PM3:Supporting, PP4

Fulgent Genetics
Classification: Likely pathogenic for Primary CD59 deficiency. Last evaluated: 2024-03-27. Review status: criteria provided, single submitter. Criteria: ACMG Guidelines, 2015. Collection method: clinical testing. Allele origin: germline.